The following is an entry in ClinVar:

NM_000048.4(ASL):c.403_404insCAAG (p.Leu135fs)

Gene: ASL (argininosuccinate lyase; plus strand). Cytogenetic location: 7q11.21.
Variant type: Insertion.
Coding change: c.403_404insCAAG on transcript NM_000048.4 (MANE Select); coding-DNA positions 403 to 404, CAAG inserted.
Protein change: p.Leu135fs; shifts the reading frame from leucine 135.
Molecular consequence: frameshift variant.
Genome position: GRCh38 VCF-style: chr7-66083131-C-CCAAG. GRCh37 (hg19) VCF-style: chr7-65548118-C-CCAAG.
Other names: c.403_404insCAAG, p.Leu135fs (NM_001024943.2, NM_001024944.2, NM_001024946.2); short protein forms L135fs.
Identifiers: ClinVar variation 1725144 (VCV001725144.2), dbSNP rs2484998272, ClinGen allele CA2580077305.

ClinVar aggregate classification (germline): Likely pathogenic (1 of 4 stars; one submission).

Conditions:
Argininosuccinate lyase deficiency. Also called: ARGININOSUCCINIC ACID LYASE DEFICIENCY; ASL DEFICIENCY; Argininosuccinic aciduria. Identifiers: Orphanet 23, MedGen C0268547, MONDO:0008815, OMIM 207900, HP:0025630.

Submission:

Myriad Genetics, Inc.
Classification: Likely pathogenic for Argininosuccinate lyase deficiency. Last evaluated: 2022-03-09. Review status: criteria provided, single submitter. Criteria: Myriad Women's Health Autosomal Recessive and X-Linked Classification Criteria (2021). Collection method: clinical testing. Allele origin: unknown.
Comment: NM_001024943.1(ASL):c.403_404insCAAG(L135Pfs*8) is expected to be pathogenic in the context of argininosuccinic aciduria. This variant is predicted to lead to an abnormal or absent protein product due to the creation of a premature termination codon in ASL, a gene where loss-of-function variants are known to be pathogenic. Please note: this variant was assessed in the context of healthy population screening.